The following is an entry in ClinVar:

NM_014000.3(VCL):c.1066G>A (p.Val356Ile)

Gene: VCL (vinculin; plus strand). Cytogenetic location: 10q22.2.
Variant type: single nucleotide variant.
Coding change: c.1066G>A on transcript NM_014000.3 (MANE Select); coding-DNA position 1066, G replaced by A.
Protein change: p.Val356Ile; replaces valine 356 with isoleucine.
Molecular consequence: missense variant.
Genome position (GRCh38, 1-based): chr10:74,089,239, G>A. VCF-style: chr10-74089239-G-A. GRCh37 (hg19) VCF-style: chr10-75848997-G-A.
Other names: c.1066G>A (NM_014000.2); c.1066G>A, p.Val356Ile (NM_003373.4); short protein forms V356I.
Identifiers: ClinVar variation 1429027 (VCV001429027.8), dbSNP rs141503166, ClinGen allele CA209700350.
Genomic context (GRCh38, chr10:74,089,239, plus strand): 5'-GTGTCTGTTTTGAGCAGAGGACAAGGATCCTCACCGGTGGCCATGCAGAAAGCTCAGCAG[G>A]TATCTCAGGGTCTGGATGTGCTCACAGCAAAAGTGGAAAATGCAGCTCGCAAGCTGGAAG-3'
Protein context (NP_054706.1, residues 346-366): SPVAMQKAQQ[Val356Ile]SQGLDVLTAK

ClinVar aggregate classification (germline): Uncertain significance. Review status: criteria provided, multiple submitters, no conflicts (2 of 4 stars). 2 submissions from 2 submitters: Uncertain significance (2). Last evaluated 2026-06-25.

Conditions:
Cardiovascular phenotype. Identifiers: MedGen CN230736.
Dilated cardiomyopathy 1W (CMD1W). Identifiers: Orphanet 154, MedGen C1969639, MONDO:0012667, OMIM 611407.

Allele frequency attached by ClinVar (database versions not stated): gnomAD exomes 0.00001; ESP Exome Variant Server 0.00008; TOPMed 0.00002; gnomAD 0.00004.
gnomAD v4.1: 13 of 1,614,012 alleles (0.00081%); highest among the groups gnomAD compares: African/African-American, 0.013%; no homozygotes.

Submissions (2):

Ambry Genetics
Classification: Uncertain significance for Cardiovascular phenotype. Last evaluated: 2026-06-25. Review status: criteria provided, single submitter. Criteria: Ambry Variant Classification Scheme 2023. Collection method: clinical testing. Allele origin: germline.
Comment: The p.V356I variant (also known as c.1066G>A), located in coding exon 9 of the VCL gene, results from a G to A substitution at nucleotide position 1066. The valine at codon 356 is replaced by isoleucine, an amino acid with highly similar properties. This amino acid position is conserved. In addition, this alteration is predicted to be tolerated by in silico analysis. Based on the available evidence, the clinical significance of this variant remains unclear.

Labcorp Genetics (formerly Invitae), Labcorp
Classification: Uncertain significance for Dilated cardiomyopathy 1W. Last evaluated: 2025-12-03. Review status: criteria provided, single submitter. Criteria: Invitae Variant Classification Sherloc (09022015). Collection method: clinical testing. Allele origin: germline.
Comment: This sequence change replaces valine, which is neutral and non-polar, with isoleucine, which is neutral and non-polar, at codon 356 of the VCL protein (p.Val356Ile). This variant is present in population databases (rs141503166, gnomAD 0.02%). This variant has not been reported in the literature in individuals affected with VCL-related conditions. ClinVar contains an entry for this variant (Variation ID: 1429027). An algorithm developed to predict the effect of missense changes on protein structure and function (PolyPhen-2) suggests that this variant is likely to be tolerated. In summary, the available evidence is currently insufficient to determine the role of this variant in disease. Therefore, it has been classified as a Variant of Uncertain Significance.